The following is an entry in ClinVar:

NM_020822.3(KCNT1):c.2839A>G (p.Lys947Glu)

Gene: KCNT1 (potassium sodium-activated channel subfamily T member 1; plus strand). Cytogenetic location: 9q34.3.
Variant type: single nucleotide variant.
Coding change: c.2839A>G on transcript NM_020822.3 (MANE Select); coding-DNA position 2839, A replaced by G.
Protein change: p.Lys947Glu; replaces lysine 947 with glutamic acid.
Molecular consequence: missense variant.
Genome position (GRCh38, 1-based): chr9:135,779,468, A>G. VCF-style: chr9-135779468-A-G. GRCh37 (hg19) VCF-style: chr9-138671314-A-G.
Other names: c.2704A>G, p.Lys902Glu (NM_001272003.2); short protein forms K947E, K902E.
Identifiers: ClinVar variation 375526 (VCV000375526.1), dbSNP rs1057519544, ClinGen allele CA16044324.
Genomic context (GRCh38, chr9:135,779,468, plus strand): 5'-ATGCGCTTCATGCAGTTCCGCGCCAAGGACAGCTACTCTCTGGCTCTTTCCAAACTAGAA[A>G]AGGTGAGCAGCCCTGCCCCGTGCCAGCTGCCACCCCAGAATCCCAGAAAGAGTGGGAGAA-3'
Protein context (NP_065873.2, residues 937-957): SYSLALSKLE[Lys947Glu]RERENGSNLA

ClinVar aggregate classification (germline): Likely pathogenic (1 of 4 stars; one submission).

Conditions:
Malignant migrating partial seizures of infancy. Identifiers: Orphanet 293181, MedGen CN262433, MONDO:0017385.

Submission:

Neurogenetics Laboratory - MEYER, AOU Meyer
Classification: Likely pathogenic. Last evaluated: 2016-11-16. Review status: criteria provided, single submitter. Criteria: ACMG Guidelines, 2015. Collection method: clinical testing. Allele origin: de novo. Affected: yes. Observed: 1 heterozygote.
Comment: This record (SCV000494541) is cited incorrectly in PubMed 28741757. This record is based on unpublished data as of January 2017.